The following is an entry in ClinVar:

NM_018451.5(CPAP):c.2104A>C (p.Ser702Arg)

Gene: CPAP (centrosome assembly and centriole elongation protein; minus strand). Cytogenetic location: 13q12.13.
Variant type: single nucleotide variant.
Coding change: c.2104A>C on transcript NM_018451.5 (MANE Select); coding-DNA position 2104, A replaced by C.
Protein change: p.Ser702Arg; replaces serine 702 with arginine.
Molecular consequence: missense variant. On other transcripts: non-coding transcript variant (2).
Genome position (GRCh38, 1-based): chr13:24,905,934, T>G on the plus strand (A>C on the coding strand, the complement: CPAP is on the minus strand). VCF-style: chr13-24905934-T-G. GRCh37 (hg19) VCF-style: chr13-25480072-T-G.
Other names: short protein forms S702R.
Identifiers: ClinVar variation 3571599 (VCV003571599.2).
Genomic context (GRCh38, chr13:24,905,934, plus strand): 5'-CTCTATCCTCAGTCGATGGTTTTATGGTAACATCAAGCTGTTCCTCAGAGTCAGTGCTAC[T>G]GTCACTATTTGGAACACCTTCATCGTCACGTGCATTCCATTCAGTCTGATTTTCAGAAGT-3'
Protein context (NP_060921.3, residues 692-712): RDDEGVPNSD[Ser702Arg]STDSEEQLDV

ClinVar aggregate classification (germline): Uncertain significance (1 of 4 stars; one submission).

gnomAD v4.1: 3 of 1,614,196 alleles (0.00019%); highest among the groups gnomAD compares: Middle Eastern, 0.016%; no homozygotes.

Submission:

Athena Diagnostics
Classification: Uncertain significance. Last evaluated: 2024-12-09. Review status: criteria provided, single submitter. Criteria: Athena Diagnostics Criteria. Collection method: clinical testing. Allele origin: unknown.
Comment: Available data are insufficient to determine the clinical significance of the variant at this time. The frequency of this variant in the general population is uninformative in assessment of its pathogenicity. Polyphen and MutationTaster predict this amino acid change may be benign.